The following is an entry in ClinVar:

ClinVar aggregate classification (germline): Conflicting classifications of pathogenicity. Review status: criteria provided, conflicting classifications (1 of 4 stars). 8 submissions from 8 submitters: Uncertain significance (1); Benign (3); Likely benign (4). Last evaluated 2026-07-07.

Conditions:
Hereditary cancer-predisposing syndrome. Also called: Hereditary Cancer Syndrome; Tumor predisposition; Hereditary neoplastic syndrome; Neoplastic Syndromes, Hereditary. Identifiers: Orphanet 140162, MedGen C0027672, MeSH D009386, MONDO:0015356.
SMARCA4-related disorder. Also called: SMARCA4-related condition.
Intellectual disability, autosomal dominant 16 (CSS4). Also called: COFFIN-SIRIS SYNDROME 4. Identifiers: Orphanet 1465, MedGen C3553249, MONDO:0013821, OMIM 614609.
Rhabdoid tumor predisposition syndrome 2 (RTPS2). Identifiers: Orphanet 231108, Orphanet 69077, MedGen C2750074, MONDO:0013224, OMIM 613325.

Allele frequency attached by ClinVar (database versions not stated): gnomAD 0.00006; TOPMed 0.00006.
gnomAD v4.1: 210 of 1,610,540 alleles (0.013%); highest among the groups gnomAD compares: South Asian, 0.13%; 2 homozygotes.

Submissions (8):

Myriad Genetics, Inc.
Classification: Likely benign for Rhabdoid tumor predisposition syndrome 2. Last evaluated: 2026-07-07. Review status: criteria provided, single submitter. Criteria: Myriad Autosomal Dominant, Autosomal Recessive and X-Linked Classification Criteria (2023). Collection method: clinical testing. Allele origin: unknown.
Comment: This variant is considered likely benign. This variant is intronic and is not expected to impact mRNA splicing.

PreventionGenetics, part of Exact Sciences
Classification: Likely benign for SMARCA4-related condition. Last evaluated: 2026-04-16. Review status: criteria provided, single submitter. Criteria: ACMG Guidelines, 2015. Collection method: clinical testing. Allele origin: germline.
Comment: This variant is classified as likely benign based on ACMG/AMP sequence variant interpretation guidelines (Richards et al. 2015 PMID: 25741868, with internal and published modifications).

Labcorp Genetics (formerly Invitae), Labcorp
Classification: Benign for Rhabdoid tumor predisposition syndrome 2. Last evaluated: 2026-02-03. Review status: criteria provided, single submitter. Criteria: Invitae Variant Classification Sherloc (09022015). Collection method: clinical testing. Allele origin: germline.

Quest Diagnostics Nichols Institute San Juan Capistrano
Classification: Benign. Last evaluated: 2025-06-30. Review status: criteria provided, single submitter. Criteria: Quest Diagnostics criteria. Collection method: clinical testing. Allele origin: unknown.

Genome-Nilou Lab
Classification: Likely benign for Intellectual disability, autosomal dominant 16. Last evaluated: 2021-07-15. Review status: criteria provided, single submitter. Criteria: ACMG Guidelines, 2015. Collection method: clinical testing. Allele origin: germline. Affected: no.

Sema4
Classification: Benign for Hereditary cancer-predisposing syndrome. Last evaluated: 2020-12-09. Review status: criteria provided, single submitter. Criteria: Sema4 Curation Guidelines. Collection method: curation. Allele origin: germline.

Ambry Genetics
Classification: Likely benign for Hereditary cancer-predisposing syndrome. Last evaluated: 2019-08-27. Review status: criteria provided, single submitter. Criteria: Ambry Variant Classification Scheme 2023. Collection method: clinical testing. Allele origin: germline.

Baylor Genetics
Classification: Uncertain significance for Intellectual disability, autosomal dominant 16. Last evaluated: 2018-12-21. Review status: criteria provided, single submitter. Criteria: ACMG Guidelines, 2015. Collection method: clinical testing. Allele origin: maternal. Affected: yes. Study: CSER-TexasKidsCanSeq.
Comment: This variant was determined to be of uncertain significance according to ACMG Guidelines, 2015 [PMID:25741868].

NM_003072.5(SMARCA4):c.3383-5G>A

Gene: SMARCA4 (SWI/SNF related BAF chromatin remodeling complex subunit ATPase 4; plus strand). Cytogenetic location: 19p13.2.
Variant type: single nucleotide variant.
Coding change: c.3383-5G>A on transcript NM_003072.5 (MANE Select); 5 bases into the intron before coding-DNA position 3383, G replaced by A.
Molecular consequence: intron variant.
Genome position (GRCh38, 1-based): chr19:11,030,725, G>A. VCF-style: chr19-11030725-G-A. GRCh37 (hg19) VCF-style: chr19-11141401-G-A.
Other names: c.3383-5G>A (NM_001128844.3, NM_001128849.3, NM_001128847.4 and 5 more transcripts).
Identifiers: ClinVar variation 220824 (VCV000220824.25), dbSNP rs762528243, ClinGen allele CA348489.